The following is an entry in ClinVar:

ClinVar aggregate classification (germline): Benign (0 of 4 stars; one submission).

Conditions:
PREX2-related disorder. Also called: PREX2-related condition.

Allele frequency attached by ClinVar (database versions not stated): ESP Exome Variant Server 0.00008; gnomAD exomes 0.00018; gnomAD 0.00051; TOPMed 0.00055; ExAC 0.00110; 1000 Genomes Project 30x 0.00297; 1000 Genomes Project 0.00319.
gnomAD v4.1: 336 of 1,409,606 alleles (0.024%); highest among the groups gnomAD compares: East Asian, 0.59%; 1 homozygote.

Submission:

PreventionGenetics, part of Exact Sciences
Classification: Benign for PREX2-related condition. Last evaluated: 2019-06-17. Review status: no assertion criteria provided. Collection method: clinical testing. Allele origin: germline.
Comment: This variant is classified as benign based on ACMG/AMP sequence variant interpretation guidelines (Richards et al. 2015 PMID: 25741868, with internal and published modifications).

NM_024870.4(PREX2):c.1443+6G>A

Gene: PREX2 (phosphatidylinositol-3,4,5-trisphosphate dependent Rac exchange factor 2; plus strand). Cytogenetic location: 8q13.2.
Variant type: single nucleotide variant.
Coding change: c.1443+6G>A on transcript NM_024870.4 (MANE Select); 6 bases into the intron after coding-DNA position 1443, G replaced by A.
Molecular consequence: intron variant.
Genome position (GRCh38, 1-based): chr8:68,069,142, G>A. VCF-style: chr8-68069142-G-A. GRCh37 (hg19) VCF-style: chr8-68981377-G-A.
Other names: c.1443+6G>A (NM_025170.6).
Identifiers: ClinVar variation 3033850 (VCV003033850.2), dbSNP rs78059728, ClinGen allele CA4773610.